The following is an entry in ClinVar:

ClinVar aggregate classification (germline): Uncertain significance (1 of 4 stars; one submission).

Conditions:
Early-infantile DEE. Also called: Ohtahara syndrome; Early infantile epileptic encephalopathy with suppression bursts; Early infantile epileptic encephalopathy. Identifiers: Orphanet 1934, MedGen C0393706, MONDO:0800491.

Submission:

Labcorp Genetics (formerly Invitae), Labcorp
Classification: Uncertain significance for Early-infantile DEE. Last evaluated: 2022-02-03. Review status: criteria provided, single submitter. Criteria: Invitae Variant Classification Sherloc (09022015). Collection method: clinical testing. Allele origin: germline.
Comment: This variant has not been reported in the literature in individuals affected with SCN1A-related conditions. In summary, the available evidence is currently insufficient to determine the role of this variant in disease. Therefore, it has been classified as a Variant of Uncertain Significance. Advanced modeling of protein sequence and biophysical properties (such as structural, functional, and spatial information, amino acid conservation, physicochemical variation, residue mobility, and thermodynamic stability) performed at Invitae indicates that this missense variant is expected to disrupt SCN1A protein function. ClinVar contains an entry for this variant (Variation ID: 836074). This variant is not present in population databases (gnomAD no frequency). This sequence change replaces proline, which is neutral and non-polar, with serine, which is neutral and polar, at codon 11 of the SCN1A protein (p.Pro11Ser).

NM_001165963.4(SCN1A):c.31C>T (p.Pro11Ser)

Gene: SCN1A (sodium voltage-gated channel alpha subunit 1; minus strand). Cytogenetic location: 2q24.3.
Variant type: single nucleotide variant.
Coding change: c.31C>T on transcript NM_001165963.4 (MANE Select); coding-DNA position 31, C replaced by T.
Protein change: p.Pro11Ser; replaces proline 11 with serine.
Molecular consequence: missense variant. On other transcripts: 5 prime UTR variant (1), non-coding transcript variant (1).
Genome position (GRCh38, 1-based): chr2:166,073,591, G>A on the plus strand (C>T on the coding strand, the complement: SCN1A is on the minus strand). VCF-style: chr2-166073591-G-A. GRCh37 (hg19) VCF-style: chr2-166930101-G-A.
Other names: c.31C>T, p.Pro11Ser (NM_001165964.3, NM_001202435.3, NM_001353948.2 and 10 more transcripts); c.-2395C>T (NM_001353961.2); short protein forms P11S.
Identifiers: ClinVar variation 836074 (VCV000836074.10), dbSNP rs1684706255, ClinGen allele CA349243458.